The following is an entry in ClinVar:

NM_000501.4(ELN):c.890-2A>G

Gene: ELN (elastin; plus strand). Cytogenetic location: 7q11.23.
Variant type: single nucleotide variant.
Coding change: c.890-2A>G on transcript NM_000501.4 (MANE Select); the canonical splice acceptor site of the intron before coding-DNA position 890, A replaced by G.
Molecular consequence: splice acceptor variant.
Genome position (GRCh38, 1-based): chr7:74,051,922, A>G. VCF-style: chr7-74051922-A-G. GRCh37 (hg19) VCF-style: chr7-73466252-A-G.
Other names: c.905-2A>G (NM_001081754.3, NM_001081753.3); c.890-2A>G (NM_001278939.2, NM_001278915.2, NM_001278912.2 and 1 more transcripts); c.848-2A>G (NM_001278916.2); c.782-2A>G (NM_001278913.2); c.875-2A>G (NM_001278914.2); c.860-2A>G (NM_001278917.2, NM_001081752.3); c.758-2A>G (NM_001278918.2).
Identifiers: ClinVar variation 177997 (VCV000177997.4), dbSNP rs727504434, ClinGen allele CA281485.

ClinVar aggregate classification (germline): Pathogenic (1 of 4 stars; one submission).

Conditions:
Supravalvar aortic stenosis (SVAS). Also called: Supravalvar aortic stenosis, Eisenberg type. Identifiers: Orphanet 3193, MedGen C0003499, MONDO:0008504, OMIM 185500, HP:0004381.

Submission:

Laboratory for Molecular Medicine, Mass General Brigham Personalized Medicine
Classification: Pathogenic for Supravalvular aortic stenosis. Last evaluated: 2012-03-02. Review status: criteria provided, single submitter. Criteria: LMM Criteria. Collection method: clinical testing. Allele origin: germline. Observed: 1 variant allele.
Comment: The 890-2A>G variant (ELN) has not been reported in the literature nor previousl y identified by our laboratory. This variant occurs in the invariant region (+/- 1, 2) of the splice consensus sequence and is predicted to cause altered splici ng leading to an abnormal or absent protein. Loss of function of the ELN gene is an established mechanism of disease in SVAS (Human Gene Mutation Database, HGMD ). In summary, the 890-2A>G variant meets out pathogenicity criteria.